The following is an entry in ClinVar:

ClinVar aggregate classification (germline): Uncertain significance (1 of 4 stars; one submission).

Conditions:
Disseminated atypical mycobacterial infection. Identifiers: MedGen C0694566.

gnomAD v4.1: 3 of 1,613,266 alleles (0.00019%); highest among the groups gnomAD compares: Non-Finnish European, 0.00025%; no homozygotes.

Submission:

Labcorp Genetics (formerly Invitae), Labcorp
Classification: Uncertain significance for Disseminated atypical mycobacterial infection. Last evaluated: 2025-01-23. Review status: criteria provided, single submitter. Criteria: Invitae Variant Classification Sherloc (09022015). Collection method: clinical testing. Allele origin: germline.
Comment: This sequence change replaces proline, which is neutral and non-polar, with serine, which is neutral and polar, at codon 129 of the IFNGR1 protein (p.Pro129Ser). This variant is not present in population databases (gnomAD no frequency). This variant has not been reported in the literature in individuals affected with IFNGR1-related conditions. ClinVar contains an entry for this variant (Variation ID: 966038). Invitae Evidence Modeling of protein sequence and biophysical properties (such as structural, functional, and spatial information, amino acid conservation, physicochemical variation, residue mobility, and thermodynamic stability) has been performed for this missense variant. However, the output from this modeling did not meet the statistical confidence thresholds required to predict the impact of this variant on IFNGR1 protein function. In summary, the available evidence is currently insufficient to determine the role of this variant in disease. Therefore, it has been classified as a Variant of Uncertain Significance.

NM_000416.3(IFNGR1):c.385C>T (p.Pro129Ser)

Gene: IFNGR1 (interferon gamma receptor 1; minus strand). Cytogenetic location: 6q23.3.
Variant type: single nucleotide variant.
Coding change: c.385C>T on transcript NM_000416.3 (MANE Select); coding-DNA position 385, C replaced by T.
Protein change: p.Pro129Ser; replaces proline 129 with serine.
Molecular consequence: missense variant.
Genome position (GRCh38, 1-based): chr6:137,204,493, G>A on the plus strand (C>T on the coding strand, the complement: IFNGR1 is on the minus strand). VCF-style: chr6-137204493-G-A. GRCh37 (hg19) VCF-style: chr6-137525630-G-A.
Other names: c.355C>T, p.Pro119Ser (NM_001363526.1); c.262C>T, p.Pro88Ser (NM_001363527.1); short protein forms P129S, P119S, P88S.
Identifiers: ClinVar variation 966038 (VCV000966038.11), dbSNP rs769242277, ClinGen allele CA365775546.
Genomic context (GRCh38, chr6:137,204,493, plus strand): 5'-AAGGGTGAAATATGTCAATCATGATTTGCTTCTCCTCCTTTCTGATATCCAGTTTAGGTG[G>A]TCCAATTTTTCCTGGGGAAGGAGGAGGAGGAAGTATAATAAATACTGGCCTTGGAACTAA-3'
Protein context (NP_000407.1, residues 119-139): FAVCRDGKIG[Pro129Ser]PKLDIRKEEK